The following is an entry in ClinVar:

NM_015311.3(OBSL1):c.268G>A (p.Ala90Thr)

Gene: OBSL1 (obscurin like cytoskeletal adaptor 1; minus strand). Cytogenetic location: 2q35.
Variant type: single nucleotide variant.
Coding change: c.268G>A on transcript NM_015311.3 (MANE Select); coding-DNA position 268, G replaced by A.
Protein change: p.Ala90Thr; replaces alanine 90 with threonine.
Molecular consequence: missense variant.
Genome position (GRCh38, 1-based): chr2:219,570,965, C>T on the plus strand (G>A on the coding strand, the complement: OBSL1 is on the minus strand). VCF-style: chr2-219570965-C-T. GRCh37 (hg19) VCF-style: chr2-220435687-C-T.
Other names: c.268G>A, p.Ala90Thr (NM_001173408.2, NM_001173431.2); short protein forms A90T.
Identifiers: ClinVar variation 896322 (VCV000896322.5), dbSNP rs1438844681, ClinGen allele CA350765958.

ClinVar aggregate classification (germline): Uncertain significance. Review status: criteria provided, multiple submitters, no conflicts (2 of 4 stars). 2 submissions from 2 submitters: Uncertain significance (2). Last evaluated 2022-07-15.

Conditions:
3M syndrome 2. Also called: 3-M Syndrome, OBSL1-Related; THREE M SYNDROME 2. Identifiers: Orphanet 2616, MedGen C2752041, MONDO:0013039, OMIM 612921.

Allele frequency attached by ClinVar (database versions not stated): gnomAD 0.00006; TOPMed 0.00008; gnomAD exomes 0.00017.
gnomAD v4.1: 191 of 1,276,672 alleles (0.015%); highest among the groups gnomAD compares: Non-Finnish European, 0.019%; no homozygotes.

Submissions (2):

Labcorp Genetics (formerly Invitae), Labcorp
Classification: Uncertain significance. Last evaluated: 2022-07-15. Review status: criteria provided, single submitter. Criteria: Invitae Variant Classification Sherloc (09022015). Collection method: clinical testing. Allele origin: germline.
Comment: This sequence change replaces alanine, which is neutral and non-polar, with threonine, which is neutral and polar, at codon 90 of the OBSL1 protein (p.Ala90Thr). This variant is not present in population databases (gnomAD no frequency). This variant has not been reported in the literature in individuals affected with OBSL1-related conditions. ClinVar contains an entry for this variant (Variation ID: 896322). Algorithms developed to predict the effect of missense changes on protein structure and function (SIFT, PolyPhen-2, Align-GVGD) all suggest that this variant is likely to be tolerated. In summary, the available evidence is currently insufficient to determine the role of this variant in disease. Therefore, it has been classified as a Variant of Uncertain Significance.

Illumina Laboratory Services, Illumina
Classification: Uncertain significance for 3M syndrome 2. Last evaluated: 2018-01-13. Review status: criteria provided, single submitter. Criteria: ICSL Variant Classification Criteria 13 December 2019. Collection method: clinical testing. Allele origin: germline.